The following is an entry in ClinVar:

ClinVar aggregate classification (germline): Uncertain significance (1 of 4 stars; one submission).

Allele frequency attached by ClinVar (database versions not stated): TOPMed below 0.00001; gnomAD 0.00001; gnomAD exomes 0.00002; ExAC 0.00006.
gnomAD v4.1: 23 of 1,546,380 alleles (0.0015%); highest among the groups gnomAD compares: Non-Finnish European, 0.0017%; no homozygotes.

Submission:

Labcorp Genetics (formerly Invitae), Labcorp
Classification: Uncertain significance. Last evaluated: 2022-04-19. Review status: criteria provided, single submitter. Criteria: Invitae Variant Classification Sherloc (09022015). Collection method: clinical testing. Allele origin: germline.
Comment: This sequence change replaces methionine, which is neutral and non-polar, with valine, which is neutral and non-polar, at codon 4779 of the PCLO protein (p.Met4779Val). This variant is present in population databases (rs776011535, gnomAD 0.008%). This variant has not been reported in the literature in individuals affected with PCLO-related conditions. Algorithms developed to predict the effect of missense changes on protein structure and function are either unavailable or do not agree on the potential impact of this missense change (SIFT: "Deleterious"; PolyPhen-2: "Not Available"; Align-GVGD: "Class C0"). In summary, the available evidence is currently insufficient to determine the role of this variant in disease. Therefore, it has been classified as a Variant of Uncertain Significance.

NM_033026.6(PCLO):c.14335A>G (p.Met4779Val)

Gene: PCLO (piccolo presynaptic cytomatrix protein; minus strand). Cytogenetic location: 7q21.11.
Variant type: single nucleotide variant.
Coding change: c.14335A>G on transcript NM_033026.6 (MANE Select); coding-DNA position 14335, A replaced by G.
Protein change: p.Met4779Val; replaces methionine 4779 with valine.
Molecular consequence: missense variant.
Genome position (GRCh38, 1-based): chr7:82,827,881, T>C on the plus strand (A>G on the coding strand, the complement: PCLO is on the minus strand). VCF-style: chr7-82827881-T-C. GRCh37 (hg19) VCF-style: chr7-82457197-T-C.
Other names: c.14335A>G, p.Met4779Val (NM_014510.3); short protein forms M4779V.
Identifiers: ClinVar variation 2166400 (VCV002166400.1), dbSNP rs776011535, ClinGen allele CA4318861.